The following is an entry in ClinVar:

ClinVar aggregate classification (germline): Likely pathogenic (1 of 4 stars; one submission).

Conditions:
X-linked agammaglobulinemia with growth hormone deficiency (IGHD3). Also called: Isolated growth hormone deficiency type 3; Growth hormone deficiency with hypogammaglobulinemia; AGAMMAGLOBULINEMIA AND ISOLATED GROWTH HORMONE DEFICIENCY, X-LINKED; FLEISHER SYNDROME; HYPOGAMMAGLOBULINEMIA AND ISOLATED GROWTH HORMONE DEFICIENCY, X-LINKED; IGHD III. Identifiers: Orphanet 231692, Orphanet 631, MedGen C0472813, MONDO:0010615, OMIM 307200.

Submission:

Labcorp Genetics (formerly Invitae), Labcorp
Classification: Likely pathogenic for X-linked agammaglobulinemia with growth hormone deficiency. Last evaluated: 2024-03-14. Review status: criteria provided, single submitter. Criteria: Invitae Variant Classification Sherloc (09022015). Collection method: clinical testing. Allele origin: germline.
Comment: This sequence change affects a donor splice site in intron 8 of the BTK gene. It is expected to disrupt RNA splicing. Variants that disrupt the donor or acceptor splice site typically lead to a loss of protein function (PMID: 16199547), and loss-of-function variants in BTK are known to be pathogenic (PMID: 15661032, 16862044, 19419768). This variant is not present in population databases (gnomAD no frequency). Disruption of this splice site has been observed in individual(s) with agammaglobulinemia and primary immunodeficiency (PMID: 9545398, 14974089, 29658452). This variant is also known as IVS8+2T>C. Algorithms developed to predict the effect of sequence changes on RNA splicing suggest that this variant may disrupt the consensus splice site. In summary, the currently available evidence indicates that the variant is pathogenic, but additional data are needed to prove that conclusively. Therefore, this variant has been classified as Likely Pathogenic.

Literature cited by the submitters: PubMed 16199547; PubMed 15661032; PubMed 16862044; PubMed 19419768; PubMed 9545398; PubMed 14974089; PubMed 29658452.

NM_000061.3(BTK):c.776+2T>C

Gene: BTK (Bruton tyrosine kinase; minus strand). Cytogenetic location: Xq22.1.
Variant type: single nucleotide variant.
Coding change: c.776+2T>C on transcript NM_000061.3 (MANE Select); the canonical splice donor site of the intron after coding-DNA position 776, T replaced by C.
Molecular consequence: splice donor variant.
Genome position (GRCh38, 1-based): chrX:101,360,566, A>G on the plus strand (T>C on the coding strand, the complement: BTK is on the minus strand). VCF-style: chrX-101360566-A-G. GRCh37 (hg19) VCF-style: chrX-100615554-A-G.
Other names: c.878+2T>C (NM_001287344.2); c.776+2T>C (NM_001287345.2).
Identifiers: ClinVar variation 3724310 (VCV003724310.2).